The following is an entry in ClinVar:

ClinVar aggregate classification (germline): Uncertain significance. Review status: criteria provided, multiple submitters, no conflicts (2 of 4 stars). 2 submissions from 2 submitters: Uncertain significance (2). Last evaluated 2025-03-31.

Conditions:
Inborn genetic diseases. Identifiers: MedGen C0950123, MeSH D030342.

gnomAD v4.1: 2 of 1,612,382 alleles (0.00012%); highest among the groups gnomAD compares: African/African-American, 0.0013%; no homozygotes.

Submissions (2):

Ambry Genetics
Classification: Uncertain significance for Inborn genetic diseases. Last evaluated: 2025-03-31. Review status: criteria provided, single submitter. Criteria: Ambry Variant Classification Scheme 2023. Collection method: clinical testing. Allele origin: germline.

GeneDx
Classification: Uncertain significance. Last evaluated: 2024-01-12. Review status: criteria provided, single submitter. Criteria: GeneDx Variant Classification Process June 2021. Collection method: clinical testing. Allele origin: germline. Affected: yes.
Comment: Not observed at significant frequency in large population cohorts (gnomAD); In silico analysis supports that this missense variant does not alter protein structure/function; Has not been previously published as pathogenic or benign to our knowledge

NM_022124.6(CDH23):c.8900G>C (p.Arg2967Pro)

Gene: CDH23 (cadherin related 23; plus strand). Cytogenetic location: 10q22.1.
Variant type: single nucleotide variant.
Coding change: c.8900G>C on transcript NM_022124.6 (MANE Select); coding-DNA position 8900, G replaced by C.
Protein change: p.Arg2967Pro; replaces arginine 2967 with proline.
Molecular consequence: missense variant.
Genome position (GRCh38, 1-based): chr10:71,809,997, G>C. VCF-style: chr10-71809997-G-C. GRCh37 (hg19) VCF-style: chr10-73569754-G-C.
Other names: c.2180G>C, p.Arg727Pro (NM_001171933.1, NM_001171934.1); short protein forms R2967P, R727P.
Identifiers: ClinVar variation 1723629 (VCV001723629.4), dbSNP rs373600041, ClinGen allele CA377133751.